The following is an entry in ClinVar:

NM_002317.7(LOX):c.275T>C (p.Leu92Pro)

Genes: LOX (lysyl oxidase; minus strand), SRFBP1 (serum response factor binding protein 1; plus strand). Cytogenetic location: 5q23.1.
Variant type: single nucleotide variant.
Coding change: c.275T>C on transcript NM_002317.7 (MANE Select); coding-DNA position 275, T replaced by C.
Protein change: p.Leu92Pro; replaces leucine 92 with proline.
Molecular consequence: missense variant.
Genome position (GRCh38, 1-based): chr5:122,077,711, A>G on the plus strand (T>C on the coding strand, the complement: LOX is on the minus strand). VCF-style: chr5-122077711-A-G. GRCh37 (hg19) VCF-style: chr5-121413406-A-G.
Other names: short protein forms L92P.
Identifiers: ClinVar variation 1795677 (VCV001795677.8), dbSNP rs1163589380, ClinGen allele CA360877172.

ClinVar aggregate classification (germline): Uncertain significance. Review status: criteria provided, multiple submitters, no conflicts (2 of 4 stars). 2 submissions from 2 submitters: Uncertain significance (2). Last evaluated 2025-06-20.

Conditions:
Cardiovascular phenotype. Identifiers: MedGen CN230736.

Allele frequency attached by ClinVar (database versions not stated): gnomAD exomes below 0.00001; TOPMed below 0.00001; gnomAD 0.00001.
gnomAD v4.1: 2 of 1,590,758 alleles (0.00013%); highest among the groups gnomAD compares: East Asian, 0.0023%; no homozygotes.

Submissions (2):

Ambry Genetics
Classification: Uncertain significance for Cardiovascular phenotype. Last evaluated: 2025-06-20. Review status: criteria provided, single submitter. Criteria: Ambry Variant Classification Scheme 2023. Collection method: clinical testing. Allele origin: germline.
Comment: The p.L92P variant (also known as c.275T>C), located in coding exon 1 of the LOX gene, results from a T to C substitution at nucleotide position 275. The leucine at codon 92 is replaced by proline, an amino acid with similar properties. This amino acid position is conserved. In addition, this alteration is predicted to be tolerated by in silico analysis. Since supporting evidence is limited at this time, the clinical significance of this alteration remains unclear.

Labcorp Genetics (formerly Invitae), Labcorp
Classification: Uncertain significance. Last evaluated: 2023-10-10. Review status: criteria provided, single submitter. Criteria: Invitae Variant Classification Sherloc (09022015). Collection method: clinical testing. Allele origin: germline.
Comment: This sequence change replaces leucine, which is neutral and non-polar, with proline, which is neutral and non-polar, at codon 92 of the LOX protein (p.Leu92Pro). This variant is not present in population databases (gnomAD no frequency). This variant has not been reported in the literature in individuals affected with LOX-related conditions. ClinVar contains an entry for this variant (Variation ID: 1795677). Advanced modeling of protein sequence and biophysical properties (such as structural, functional, and spatial information, amino acid conservation, physicochemical variation, residue mobility, and thermodynamic stability) has been performed at Invitae for this missense variant, however the output from this modeling did not meet the statistical confidence thresholds required to predict the impact of this variant on LOX protein function. In summary, the available evidence is currently insufficient to determine the role of this variant in disease. Therefore, it has been classified as a Variant of Uncertain Significance.